The following is an entry in ClinVar:

NM_001378778.1(MPDZ):c.6001A>G (p.Ile2001Val)

Gene: MPDZ (multiple PDZ domain crumbs cell polarity complex component; minus strand). Cytogenetic location: 9p23.
Variant type: single nucleotide variant.
Coding change: c.6001A>G on transcript NM_001378778.1 (MANE Select); coding-DNA position 6001, A replaced by G.
Protein change: p.Ile2001Val; replaces isoleucine 2001 with valine.
Molecular consequence: missense variant.
Genome position (GRCh38, 1-based): chr9:13,109,001, T>C on the plus strand (A>G on the coding strand, the complement: MPDZ is on the minus strand). VCF-style: chr9-13109001-T-C. GRCh37 (hg19) VCF-style: chr9-13109000-T-C.
Other names: c.5902A>G, p.Ile1968Val (NM_001261406.2, NM_001375416.1, NM_001375417.1 and 1 more transcripts); c.5815A>G, p.Ile1939Val (NM_001261407.2, NM_001375419.1); c.6001A>G, p.Ile2001Val (NM_001330637.2); c.6100A>G, p.Ile2034Val (NM_001375413.1); c.5791A>G, p.Ile1931Val (NM_001375420.1, NM_001375421.1, NM_001375422.1 and 2 more transcripts); c.5704A>G, p.Ile1902Val (NM_001375425.1, NM_001375426.1); c.5593A>G, p.Ile1865Val (NM_001375427.1); c.5914A>G, p.Ile1972Val (NM_003829.5); and 1 more; short protein forms I1865V, I1902V, I1939V, I1968V, I1972V, I1931V, I2001V, I2034V.
Identifiers: ClinVar variation 2472301 (VCV002472301.4), dbSNP rs769047907, ClinGen allele CA4985999.

ClinVar aggregate classification (germline): Uncertain significance. Review status: criteria provided, single submitter (1 of 4 stars). 2 submissions from 2 submitters: Uncertain significance (1). 1 of the submissions does not count toward it. Last evaluated 2023-02-01.

Conditions:
Inborn genetic diseases. Identifiers: MedGen C0950123, MeSH D030342.
MPDZ-related disorder. Also called: MPDZ-related condition.

Allele frequency attached by ClinVar (database versions not stated): ExAC 0.00001; gnomAD 0.00001; gnomAD exomes 0.00001; TOPMed 0.00001.

Submissions (2):

Ambry Genetics
Classification: Uncertain significance for Inborn genetic diseases. Last evaluated: 2023-02-01. Review status: criteria provided, single submitter. Criteria: Ambry Variant Classification Scheme 2023. Collection method: clinical testing. Allele origin: germline.

PreventionGenetics, part of Exact Sciences
Classification: Uncertain significance for MPDZ-related condition. Last evaluated: 2023-11-17. Review status: no assertion criteria provided. Collection method: clinical testing. Allele origin: germline. Not counted in ClinVar's aggregate classification.
Comment: The MPDZ c.5914A>G variant is predicted to result in the amino acid substitution p.Ile1972Val. To our knowledge, this variant has not been reported in the literature. This variant is reported in 0.0017% of alleles in individuals of European (Non-Finnish) descent in gnomAD. At this time, the clinical significance of this variant is uncertain due to the absence of conclusive functional and genetic evidence.